The following is an entry in ClinVar:

ClinVar aggregate classification (germline): Uncertain significance (1 of 4 stars; one submission).

Conditions:
Inborn genetic diseases. Identifiers: MedGen C0950123, MeSH D030342.

gnomAD v4.1: 2 of 1,613,990 alleles (0.00012%); highest among the groups gnomAD compares: Admixed American, 0.0017%; no homozygotes.

Submission:

Ambry Genetics
Classification: Uncertain significance for Inborn genetic diseases. Last evaluated: 2025-04-13. Review status: criteria provided, single submitter. Criteria: Ambry Variant Classification Scheme 2023. Collection method: clinical testing. Allele origin: germline.
Comment: The p.R1038G variant (also known as c.3112A>G), located in coding exon 24 of the ANKRD26 gene, results from an A to G substitution at nucleotide position 3112. The arginine at codon 1038 is replaced by glycine, an amino acid with dissimilar properties. This amino acid position is conserved. In addition, this alteration is predicted to be tolerated by in silico analysis. Based on the available evidence, the clinical significance of this variant remains unclear.

NM_014915.3(ANKRD26):c.3112A>G (p.Arg1038Gly)

Gene: ANKRD26 (ankyrin repeat domain containing 26; minus strand). Cytogenetic location: 10p12.1.
Variant type: single nucleotide variant.
Coding change: c.3112A>G on transcript NM_014915.3 (MANE Select); coding-DNA position 3112, A replaced by G.
Protein change: p.Arg1038Gly; replaces arginine 1038 with glycine.
Molecular consequence: missense variant.
Genome position (GRCh38, 1-based): chr10:27,035,338, T>C on the plus strand (A>G on the coding strand, the complement: ANKRD26 is on the minus strand). VCF-style: chr10-27035338-T-C. GRCh37 (hg19) VCF-style: chr10-27324267-T-C.
Other names: c.3109A>G, p.Arg1037Gly (NM_001256053.2); short protein forms R1037G, R1038G.
Identifiers: ClinVar variation 3913717 (VCV003913717.1).
Genomic context (GRCh38, chr10:27,035,338, plus strand): 5'-TATCTTTTAGGTTAGACACATCAAAATTCATTTTGTCCTGTAAACGAGAACATTCATCTC[T>C]TGCTCTCTGGAAAGCAAGTTCTAGTTCTCTTTTTGATGTCTCACTTTGATCACGATCATG-3'
Protein context (NP_055730.2, residues 1028-1048): RELELAFQRA[Arg1038Gly]DECSRLQDKM